The following is an entry in ClinVar:

ClinVar aggregate classification (germline): Conflicting classifications of pathogenicity. Review status: criteria provided, conflicting classifications (1 of 4 stars). 2 submissions from 2 submitters: Likely pathogenic (1); Uncertain significance (1). Last evaluated 2025-05-28.

Conditions:
3-methylglutaconic aciduria, type VIIB (MGCA7B). Also called: 3-methylglutaconic aciduria with cataracts, neurologic involvement and neutropenia; CLPB Deficiency; 3-methylglutaconic aciduria, type VII, with cataracts, neurologic involvement and neutropenia. Identifiers: Orphanet 445038, MedGen C5676893, MONDO:0014561, OMIM 616271.

gnomAD v4.1: 25 of 1,614,038 alleles (0.0015%); highest among the groups gnomAD compares: Middle Eastern, 0.049%; no homozygotes.

Submissions (2):

First Genomix Gene Laboratory, Genetic Diagnostics Department
Classification: Likely pathogenic for 3-methylglutaconic aciduria, type VIIB. Last evaluated: 2025-05-28. Review status: criteria provided, single submitter. Criteria: ACMG Guidelines, 2015. Collection method: clinical testing. Allele origin: germline. Inheritance: Autosomal recessive inheritance. Affected: no. Observed: 1 variant allele.

Labcorp Genetics (formerly Invitae), Labcorp
Classification: Uncertain significance for 3-methylglutaconic aciduria, type VIIB. Last evaluated: 2023-11-12. Review status: criteria provided, single submitter. Criteria: Invitae Variant Classification Sherloc (09022015). Collection method: clinical testing. Allele origin: germline.
Comment: This sequence change replaces tyrosine, which is neutral and polar, with phenylalanine, which is neutral and non-polar, at codon 567 of the CLPB protein (p.Tyr567Phe). This variant is present in population databases (rs150857620, gnomAD 0.006%). This variant has not been reported in the literature in individuals affected with CLPB-related conditions. ClinVar contains an entry for this variant (Variation ID: 2164900). An algorithm developed to predict the effect of missense changes on protein structure and function (PolyPhen-2) suggests that this variant is likely to be tolerated. This variant disrupts the p.Tyr567 amino acid residue in CLPB. Other variant(s) that disrupt this residue have been determined to be pathogenic (PMID: 25597510; Invitae). This suggests that this residue is clinically significant, and that variants that disrupt this residue are likely to be disease-causing. In summary, the available evidence is currently insufficient to determine the role of this variant in disease. Therefore, it has been classified as a Variant of Uncertain Significance.

Literature cited by the submitters: PubMed 25597510 (cited by Labcorp Genetics (formerly Invitae), Labcorp).

NM_001258392.3(CLPB):c.1610A>T (p.Tyr537Phe)

Gene: CLPB (ClpB family mitochondrial disaggregase; minus strand). Cytogenetic location: 11q13.4.
Variant type: single nucleotide variant.
Coding change: c.1610A>T on transcript NM_001258392.3 (MANE Select); coding-DNA position 1610, A replaced by T.
Protein change: p.Tyr537Phe; replaces tyrosine 537 with phenylalanine.
Molecular consequence: missense variant.
Genome position (GRCh38, 1-based): chr11:72,294,395, T>A on the plus strand (A>T on the coding strand, the complement: CLPB is on the minus strand). VCF-style: chr11-72294395-T-A. GRCh37 (hg19) VCF-style: chr11-72005439-T-A.
Other names: c.1523A>T, p.Tyr508Phe (NM_001258393.3); c.1565A>T, p.Tyr522Phe (NM_001258394.3); c.1700A>T, p.Tyr567Phe (NM_030813.6); short protein forms Y522F, Y508F, Y567F, Y537F.
Identifiers: ClinVar variation 2164900 (VCV002164900.5), dbSNP rs150857620, ClinGen allele CA6171100.